The following is an entry in ClinVar:

ClinVar aggregate classification (germline): Benign/Likely benign. Review status: criteria provided, multiple submitters, no conflicts (2 of 4 stars). 14 submissions from 12 submitters: Benign (9); Likely benign (2). 3 of the submissions do not count toward it. Last evaluated 2026-02-02.

Conditions:
Distal spinal muscular atrophy. Also called: Distal hereditary motor neuronopathy; Distal hereditary motor neuropathy. Identifiers: Orphanet 53739, MedGen C0393541, MONDO:0018894.
Charcot-Marie-Tooth disease. Also called: Charcot-Marie-Tooth Neuropathy; Charcot-Marie-Tooth Hereditary Neuropathy. Identifiers: Orphanet 166, MedGen C0007959, MONDO:0015626.
Charcot-Marie-Tooth disease type 2. Also called: Charcot-Marie-Tooth type 2. Identifiers: Orphanet 64746, MedGen C0270914, MONDO:0018993.
Charcot-Marie-Tooth disease type 2D (CMT2D). Also called: CHARCOT-MARIE-TOOTH DISEASE, AXONAL, TYPE 2D; CHARCOT-MARIE-TOOTH DISEASE, NEURONAL, TYPE 2D; Charcot-Marie-Tooth Neuropathy Type 2D; GARS1 Adolescent- or Early Adult-Onset Hereditary Motor/Sensory Neuropathy (GARS1-HMSN). Identifiers: Orphanet 99938, MedGen C1832274, MONDO:0011091, OMIM 601472.
Neuronopathy, distal hereditary motor, type 5A (HMND5). Also called: DHMN VA; Distal Spinal Muscular Atrophy V; NEURONOPATHY, DISTAL HEREDITARY MOTOR, AUTOSOMAL DOMINANT 5; Distal Spinal Muscular Atrophy V (dSMA-V). Identifiers: Orphanet 139536, MedGen CN031873, MONDO:0015353, OMIM 600794.

Allele frequency attached by ClinVar (database versions not stated): gnomAD 0.01280 and 0.01237; ExAC 0.02066; 1000 Genomes Project 30x 0.00765; 1000 Genomes Project 0.00839; ESP Exome Variant Server 0.01013; TOPMed 0.01127; gnomAD exomes 0.01164.
gnomAD v4.1: 22,173 of 1,591,090 alleles (1.4%); highest among the groups gnomAD compares: Non-Finnish European, 1.5%; 184 homozygotes.

Submissions (14):

Labcorp Genetics (formerly Invitae), Labcorp
Classification: Benign for Charcot-Marie-Tooth disease type 2. Last evaluated: 2026-02-02. Review status: criteria provided, single submitter. Criteria: Invitae Variant Classification Sherloc (09022015). Collection method: clinical testing. Allele origin: germline.

Athena Diagnostics
Classification: Benign. Last evaluated: 2025-09-17. Review status: criteria provided, single submitter. Criteria: Athena Diagnostics Criteria. Collection method: clinical testing. Allele origin: unknown.
Comment: The frequency of this variant in the general population is higher than would generally be expected for pathogenic variants in this gene. Computational tools predict this amino acid change may be benign. This variant has been seen where an alternate explanation for disease was also identified.

ARUP Laboratories, Molecular Genetics and Genomics, ARUP Laboratories
Classification: Benign. Last evaluated: 2025-04-21. Review status: criteria provided, single submitter. Criteria: ARUP Molecular Germline Variant Investigation Process 2024. Collection method: clinical testing. Allele origin: germline.

Illumina Laboratory Services, Illumina
Classification: Benign for Distal hereditary motor neuronopathy type 5. Last evaluated: 2018-01-12. Review status: criteria provided, single submitter. Criteria: ICSL Variant Classification Criteria 13 December 2019. Collection method: clinical testing. Allele origin: germline.
Comment: This variant was observed in the ICSL laboratory as part of a predisposition screen in an ostensibly healthy population. It had not been previously curated by ICSL or reported in the Human Gene Mutation Database (HGMD: prior to June 1st, 2018), and was therefore a candidate for classification through an automated scoring system. Utilizing variant allele frequency, disease prevalence and penetrance estimates, and inheritance mode, an automated score was calculated to assess if this variant is too frequent to cause the disease. Based on the score and internal cut-off values, a variant classified as benign is not then subjected to further curation. The score for this variant resulted in a classification of benign for this disease.

Illumina Laboratory Services, Illumina
Classification: Benign for Distal Spinal Muscular Atrophy. Last evaluated: 2018-01-12. Review status: criteria provided, single submitter. Criteria: ICSL Variant Classification Criteria 13 December 2019. Collection method: clinical testing. Allele origin: germline.
Comment: the same text as in the submission from Illumina Laboratory Services, Illumina above.

Illumina Laboratory Services, Illumina
Classification: Benign for Charcot-Marie-Tooth disease type 2D. Last evaluated: 2018-01-12. Review status: criteria provided, single submitter. Criteria: ICSL Variant Classification Criteria 13 December 2019. Collection method: clinical testing. Allele origin: germline.
Comment: the same text as in the submission from Illumina Laboratory Services, Illumina above.

Eurofins Ntd Llc (ga)
Classification: Benign. Last evaluated: 2015-11-24. Review status: criteria provided, single submitter. Criteria: EGL Classification Definitions 2015. Collection method: clinical testing. Allele origin: germline. Observed: 1 variant allele, 1 heterozygote.

GeneDx
Classification: Benign. Last evaluated: 2015-03-03. Review status: criteria provided, single submitter. Criteria: GeneDx Variant Classification Process June 2021. Collection method: clinical testing. Allele origin: germline. Affected: yes.

Breakthrough Genomics
Classification: Likely benign. Review status: criteria provided, single submitter. Criteria: ACMG Guidelines, 2015. Collection method: not provided. Allele origin: germline. Inheritance: Autosomal dominant inheritance. Affected: yes.

Molecular Genetics Laboratory, London Health Sciences Centre
Classification: Benign for Charcot-Marie-Tooth disease. Review status: criteria provided, single submitter. Criteria: ACMG Guidelines, 2015. Collection method: clinical testing. Allele origin: germline. Affected: yes.

PreventionGenetics, part of Exact Sciences
Classification: Likely benign. Review status: criteria provided, single submitter. Criteria: ACMG Guidelines, 2015. Collection method: clinical testing. Allele origin: germline.

Mayo Clinic Laboratories, Mayo Clinic
Classification: Likely benign. Last evaluated: 2016-02-29. Review status: no assertion criteria provided. Collection method: clinical testing. Allele origin: unknown. Not counted in ClinVar's aggregate classification.

Clinical Genetics, Academic Medical Center
Classification: Benign. Review status: no assertion criteria provided. Collection method: clinical testing. Allele origin: germline. Affected: yes. Study: VKGL Data-share Consensus. Not counted in ClinVar's aggregate classification.

Joint Genome Diagnostic Labs from Nijmegen and Maastricht, Radboudumc and MUMC+
Classification: Benign. Review status: no assertion criteria provided. Collection method: clinical testing. Allele origin: germline. Affected: yes. Study: VKGL Data-share Consensus. Not counted in ClinVar's aggregate classification.

NM_002047.4(GARS1):c.11C>T (p.Pro4Leu)

Gene: GARS1 (glycyl-tRNA synthetase 1; plus strand). Cytogenetic location: 7p14.3.
Variant type: single nucleotide variant.
Coding change: c.11C>T on transcript NM_002047.4 (MANE Select); coding-DNA position 11, C replaced by T.
Protein change: p.Pro4Leu; replaces proline 4 with leucine.
Molecular consequence: missense variant. On other transcripts: 5 prime UTR variant (1).
Genome position (GRCh38, 1-based): chr7:30,594,932, C>T. VCF-style: chr7-30594932-C-T. GRCh37 (hg19) VCF-style: chr7-30634548-C-T.
Other names: c.11C>T (LRG_243t1); c.-152C>T (NM_001316772.1); short protein forms P4L.
Identifiers: ClinVar variation 220422 (VCV000220422.42), dbSNP rs62636572, ClinGen allele CA349889.